The following is an entry in ClinVar:

NM_018105.3(THAP1):c.298C>T (p.Leu100Phe)

Gene: THAP1 (THAP domain containing 1; minus strand). Cytogenetic location: 8p11.21.
Variant type: single nucleotide variant.
Coding change: c.298C>T on transcript NM_018105.3 (MANE Select); coding-DNA position 298, C replaced by T.
Protein change: p.Leu100Phe; replaces leucine 100 with phenylalanine.
Molecular consequence: missense variant. On other transcripts: synonymous variant (1).
Genome position (GRCh38, 1-based): chr8:42,838,306, G>A on the plus strand (C>T on the coding strand, the complement: THAP1 is on the minus strand). VCF-style: chr8-42838306-G-A. GRCh37 (hg19) VCF-style: chr8-42693449-G-A.
Other names: c.102C>T, p.Ser34= (NM_199003.2); short protein forms L100F.
Identifiers: ClinVar variation 949008 (VCV000949008.6), dbSNP rs1802653684, ClinGen allele CA371107523.
Genomic context (GRCh38, chr8:42,838,306, plus strand): 5'-TTAGTAATCCAATAGCAGCATCAACCTGGGAAACAGGAGGCGGTAAAGGAGGTGGGGGAA[G>A]CTGTTCCTGTGGCTCCAGAAGATCTTCTTTCTAAAACAAAAATACAAAGTATGTTTGAAT-3'
Protein context (NP_060575.1, residues 90-110): KEDLLEPQEQ[Leu100Phe]PPPPLPPPVS

ClinVar aggregate classification (germline): Uncertain significance (1 of 4 stars; one submission).

Conditions:
Torsion dystonia 6 (DYT6). Also called: DYT-THAP1. Identifiers: Orphanet 98806, MedGen C1414216, MONDO:0011264, OMIM 602629.

Submission:

Labcorp Genetics (formerly Invitae), Labcorp
Classification: Uncertain significance for Torsion dystonia 6. Last evaluated: 2022-07-05. Review status: criteria provided, single submitter. Criteria: Invitae Variant Classification Sherloc (09022015). Collection method: clinical testing. Allele origin: germline.
Comment: In summary, the available evidence is currently insufficient to determine the role of this variant in disease. Therefore, it has been classified as a Variant of Uncertain Significance. Algorithms developed to predict the effect of missense changes on protein structure and function (SIFT, PolyPhen-2, Align-GVGD) all suggest that this variant is likely to be tolerated. ClinVar contains an entry for this variant (Variation ID: 949008). This variant has not been reported in the literature in individuals affected with THAP1-related conditions. This variant is not present in population databases (gnomAD no frequency). This sequence change replaces leucine, which is neutral and non-polar, with phenylalanine, which is neutral and non-polar, at codon 100 of the THAP1 protein (p.Leu100Phe).